The following is an entry in ClinVar:

NM_001005242.3(PKP2):c.677T>C (p.Val226Ala)

Gene: PKP2 (plakophilin 2; minus strand). Cytogenetic location: 12p11.21.
Variant type: single nucleotide variant.
Coding change: c.677T>C on transcript NM_001005242.3 (MANE Select); coding-DNA position 677, T replaced by C.
Protein change: p.Val226Ala; replaces valine 226 with alanine.
Molecular consequence: missense variant.
Genome position (GRCh38, 1-based): chr12:32,878,203, A>G on the plus strand (T>C on the coding strand, the complement: PKP2 is on the minus strand). VCF-style: chr12-32878203-A-G. GRCh37 (hg19) VCF-style: chr12-33031137-A-G.
Other names: c.677T>C, p.Val226Ala (NM_001407155.1, NM_001407156.1, NM_001407157.1 and 2 more transcripts); c.350T>C, p.Val117Ala (NM_001407158.1, NM_001407159.1, NM_001407160.1 and 1 more transcripts); short protein forms V226A, V117A.
Identifiers: ClinVar variation 4840555 (VCV004840555.2).

ClinVar aggregate classification (germline): Uncertain significance (1 of 4 stars; one submission).

Conditions:
Cardiovascular phenotype. Identifiers: MedGen CN230736.

Submission:

Ambry Genetics
Classification: Uncertain significance for Cardiovascular phenotype. Last evaluated: 2026-09-11. Review status: criteria provided, single submitter. Criteria: Ambry Variant Classification Scheme 2023. Collection method: clinical testing. Allele origin: germline.
Comment: The p.V226A variant (also known as c.677T>C), located in coding exon 3 of the PKP2 gene, results from a T to C substitution at nucleotide position 677. The valine at codon 226 is replaced by alanine, an amino acid with similar properties. This amino acid position is conserved. In addition, this alteration is predicted to be tolerated by in silico analysis. Based on the available evidence, the clinical significance of this variant remains unclear.